The following is an entry in ClinVar:

NM_001854.4(COL11A1):c.1973G>A (p.Gly658Glu)

Gene: COL11A1 (collagen type XI alpha 1 chain; minus strand). Cytogenetic location: 1p21.1.
Variant type: single nucleotide variant.
Coding change: c.1973G>A on transcript NM_001854.4 (MANE Select); coding-DNA position 1973, G replaced by A.
Protein change: p.Gly658Glu; replaces glycine 658 with glutamic acid.
Molecular consequence: missense variant. On other transcripts: non-coding transcript variant (1).
Genome position (GRCh38, 1-based): chr1:103,003,240, C>T on the plus strand (G>A on the coding strand, the complement: COL11A1 is on the minus strand). VCF-style: chr1-103003240-C-T. GRCh37 (hg19) VCF-style: chr1-103468796-C-T.
Other names: c.1856G>A, p.Gly619Glu (NM_001190709.2); c.2009G>A, p.Gly670Glu (NM_080629.3); c.1625G>A, p.Gly542Glu (NM_080630.4); c.1973G>A (NM_001854.3); short protein forms G619E, G658E, G670E, G542E.
Identifiers: ClinVar variation 1465601 (VCV001465601.12), dbSNP rs1201613198, ClinGen allele CA341171702.

ClinVar aggregate classification (germline): Conflicting classifications of pathogenicity. Review status: criteria provided, conflicting classifications (1 of 4 stars). 3 submissions from 3 submitters: Likely pathogenic (2); Uncertain significance (1). Last evaluated 2026-08-24.

Conditions:
Inborn genetic diseases. Identifiers: MedGen C0950123, MeSH D030342.

Submissions (3):

GeneDx
Classification: Likely pathogenic. Last evaluated: 2026-08-24. Review status: criteria provided, single submitter. Criteria: GeneDx Variant Classification Process June 2021. Collection method: clinical testing. Allele origin: germline.
Comment: Not observed at significant frequency in large population cohorts (gnomAD); In silico analysis supports that this missense variant has a deleterious effect on protein structure/function; Has not been previously published as pathogenic or benign to our knowledge; This variant is associated with the following publications: (PMID: 25240749)

Ambry Genetics
Classification: Likely pathogenic for Inborn genetic diseases. Last evaluated: 2025-03-27. Review status: criteria provided, single submitter. Criteria: Ambry Variant Classification Scheme 2023. Collection method: clinical testing. Allele origin: germline.
Comment: The c.1973G>A (p.G658E) alteration is located in exon 21 (coding exon 21) of the COL11A1 gene. This alteration results from a G to A substitution at nucleotide position 1973, causing the glycine (G) at amino acid position 658 to be replaced by a glutamic acid (E). for autosomal dominant type XI collagenopathy; however, its clinical significance for autosomal recessive COL11A1-related fibrochondrogenesis and autosomal dominant COL11A1-related deafness is uncertain. This variant was not reported in population-based cohorts in the Genome Aggregation Database (gnomAD). Another variant at the same codon, c.1973G>T (p.G658V), has been identified in an individual with features consistent with Stickler syndrome type II (Acke, 2014). This amino acid position is highly conserved in available vertebrate species. This alteration is predicted to be deleterious by in silico analysis. Based on the available evidence, this alteration is classified as likely pathogenic.

Labcorp Genetics (formerly Invitae), Labcorp
Classification: Uncertain significance. Last evaluated: 2022-11-15. Review status: criteria provided, single submitter. Criteria: Invitae Variant Classification Sherloc (09022015). Collection method: clinical testing. Allele origin: germline.
Comment: Advanced modeling of protein sequence and biophysical properties (such as structural, functional, and spatial information, amino acid conservation, physicochemical variation, residue mobility, and thermodynamic stability) has been performed at Invitae for this missense variant, however the output from this modeling did not meet the statistical confidence thresholds required to predict the impact of this variant on COL11A1 protein function. In summary, the available evidence is currently insufficient to determine the role of this variant in disease. Therefore, it has been classified as a Variant of Uncertain Significance. This variant has not been reported in the literature in individuals affected with COL11A1-related conditions. ClinVar contains an entry for this variant (Variation ID: 1465601). This sequence change replaces glycine, which is neutral and non-polar, with glutamic acid, which is acidic and polar, at codon 658 of the COL11A1 protein (p.Gly658Glu). This variant is not present in population databases (gnomAD no frequency).

Literature cited by the submitters: PubMed 25240749 (cited by Ambry Genetics).